The following is an entry in ClinVar:

NM_005677.4(COLQ):c.1162G>A (p.Asp388Asn)

Gene: COLQ (collagen like tail subunit of asymmetric acetylcholinesterase; minus strand). Cytogenetic location: 3p25.1.
Variant type: single nucleotide variant.
Coding change: c.1162G>A on transcript NM_005677.4 (MANE Select); coding-DNA position 1162, G replaced by A.
Protein change: p.Asp388Asn; replaces aspartic acid 388 with asparagine.
Molecular consequence: missense variant.
Genome position (GRCh38, 1-based): chr3:15,455,932, C>T on the plus strand (G>A on the coding strand, the complement: COLQ is on the minus strand). VCF-style: chr3-15455932-C-T. GRCh37 (hg19) VCF-style: chr3-15497439-C-T.
Other names: c.1132G>A, p.Asp378Asn (NM_080538.2); c.1060G>A, p.Asp354Asn (NM_080539.4); short protein forms D388N, D354N, D378N.
Identifiers: ClinVar variation 468340 (VCV000468340.7), dbSNP rs1008156537, ClinGen allele CA70601487.

ClinVar aggregate classification (germline): Uncertain significance. Review status: criteria provided, single submitter (1 of 4 stars). 2 submissions from 2 submitters: Uncertain significance (1). 1 of the submissions does not count toward it. Last evaluated 2022-03-06.

Conditions:
Congenital myasthenic syndrome 5. Identifiers: Orphanet 590, MedGen C1864233, MONDO:0011281, OMIM 603034.

Allele frequency attached by ClinVar (database versions not stated): gnomAD exomes below 0.00001; TOPMed below 0.00001.
gnomAD v4.1: 1 of 1,614,192 alleles (0.000062%); highest among the groups gnomAD compares: African/African-American, 0.0013%; no homozygotes.

Submissions (2):

Labcorp Genetics (formerly Invitae), Labcorp
Classification: Uncertain significance for Congenital myasthenic syndrome 5. Last evaluated: 2022-03-06. Review status: criteria provided, single submitter. Criteria: Invitae Variant Classification Sherloc (09022015). Collection method: clinical testing. Allele origin: germline.
Comment: This sequence change replaces aspartic acid, which is acidic and polar, with asparagine, which is neutral and polar, at codon 388 of the COLQ protein (p.Asp388Asn). The frequency data for this variant in the population databases is considered unreliable, as metrics indicate poor data quality at this position in the gnomAD database. In summary, the available evidence is currently insufficient to determine the role of this variant in disease. Therefore, it has been classified as a Variant of Uncertain Significance. Algorithms developed to predict the effect of missense changes on protein structure and function are either unavailable or do not agree on the potential impact of this missense change (SIFT: "Deleterious"; PolyPhen-2: "Not Available"; Align-GVGD: "Class C0"). ClinVar contains an entry for this variant (Variation ID: 468340). This variant is also known as p.Asp354Asn. This missense change has been observed in individual(s) with clinical features of COLQ-related conditions (PMID: 31345272).

Oxford Medical Genetics Laboratories, Oxford University Hospitals NHS Foundation Trust
Classification: Likely pathogenic for Congenital myasthenic syndrome 5. Last evaluated: 2019-05-03. Review status: no assertion criteria provided. Collection method: clinical testing. Allele origin: paternal. Affected: yes. Not counted in ClinVar's aggregate classification.

Literature cited by the submitters: PubMed 31345272 (cited by Labcorp Genetics (formerly Invitae), Labcorp).